The following is an entry in ClinVar:

ClinVar aggregate classification (germline): Likely pathogenic (1 of 4 stars; one submission).

Submission:

GeneDx
Classification: Likely pathogenic. Last evaluated: 2017-08-14. Review status: criteria provided, single submitter. Criteria: GeneDx Variant Classification (06012015). Collection method: clinical testing. Allele origin: germline. Affected: yes.
Comment: The D630V variant in the PLCB4 gene has not been reported previously as a pathogenic variant, nor as a benign variant, to our knowledge. The D630V variant is not observed in large population cohorts (Lek et al., 2016; 1000 Genomes Consortium et al., 2015; Exome Variant Server). The D630V variant is a non-conservative amino acid substitution, which is likely to impact secondary protein structure as these residues differ in polarity, charge, size and/or other properties. This substitution occurs at a position that is conserved across species. In silico analysis predicts this variant is probably damaging to the protein structure/function. We interpret D630V as a likely pathogenic variant.

NM_001377142.1(PLCB4):c.1925A>T (p.Asp642Val)

Gene: PLCB4 (phospholipase C beta 4; plus strand). Cytogenetic location: 20p12.2.
Variant type: single nucleotide variant.
Coding change: c.1925A>T on transcript NM_001377142.1 (MANE Select); coding-DNA position 1925, A replaced by T.
Protein change: p.Asp642Val; replaces aspartic acid 642 with valine.
Molecular consequence: missense variant.
Genome position (GRCh38, 1-based): chr20:9,409,107, A>T. VCF-style: chr20-9409107-A-T. GRCh37 (hg19) VCF-style: chr20-9389754-A-T.
Other names: c.1889A>T, p.Asp630Val (NM_000933.4, NM_001377134.2, NM_001377135.1 and 2 more transcripts); c.1925A>T, p.Asp642Val (NM_001172646.2, NM_001377143.1); short protein forms D630V, D642V.
Identifiers: ClinVar variation 451364 (VCV000451364.2), dbSNP rs1555839474, ClinGen allele CA408212102.